The following is an entry in ClinVar:

ClinVar aggregate classification (germline): Pathogenic (1 of 4 stars; one submission).

Conditions:
Hereditary cancer-predisposing syndrome. Also called: Neoplastic Syndromes, Hereditary; Tumor predisposition; Hereditary Cancer Syndrome; Hereditary neoplastic syndrome. Identifiers: Orphanet 140162, MedGen C0027672, MeSH D009386, MONDO:0015356.

Submission:

Ambry Genetics
Classification: Pathogenic for Hereditary cancer-predisposing syndrome. Last evaluated: 2020-09-29. Review status: criteria provided, single submitter. Criteria: Ambry Variant Classification Scheme 2023. Collection method: clinical testing. Allele origin: germline.
Comment: The c.364delA pathogenic mutation, located in coding exon 4 of the BMPR1A gene, results from a deletion of one nucleotide at nucleotide position 364, causing a translational frameshift with a predicted alternate stop codon (p.I122*). This alteration is expected to result in loss of function by premature protein truncation or nonsense-mediated mRNA decay. As such, this alteration is interpreted as a disease-causing mutation.

NM_004329.3(BMPR1A):c.364del (p.Thr121_Ile122insTer)

Gene: BMPR1A (bone morphogenetic protein receptor type 1A; plus strand). Cytogenetic location: 10q23.2.
Variant type: Deletion.
Coding change: c.364del on transcript NM_004329.3 (MANE Select); coding-DNA position 364, one base deleted (A; older notation c.364delA).
Protein change: p.Thr121_Ile122insTer.
Molecular consequence: nonsense. On other transcripts: frameshift variant (30).
Genome position (GRCh38, 1-based): chr10:86,899,824, A deleted; the last of 2 consecutive A bases (chr10:86,899,823-86,899,824); deleting either gives the same sequence. VCF-style (leftmost placement, unchanged base first): chr10-86899822-CA-C. GRCh37 (hg19) VCF-style: chr10-88659579-CA-C.
Other names: c.364delA, p.Ile122Terfs (NM_001406559.1, NM_001406560.1, NM_001406561.1 and 22 more transcripts); c.280delA, p.Ile94Terfs (NM_001406584.1, NM_001406585.1, NM_001406586.1 and 2 more transcripts).
Identifiers: ClinVar variation 1733592 (VCV001733592.2), dbSNP rs2539490085, ClinGen allele CA2580082103.